The following is an entry in ClinVar:

NM_001009944.3(PKD1):c.1075C>G (p.Leu359Val)

Gene: PKD1 (polycystin 1, transient receptor potential channel interacting; minus strand). Cytogenetic location: 16p13.3.
Variant type: single nucleotide variant.
Coding change: c.1075C>G on transcript NM_001009944.3 (MANE Select); coding-DNA position 1075, C replaced by G.
Protein change: p.Leu359Val; replaces leucine 359 with valine.
Molecular consequence: missense variant.
Genome position (GRCh38, 1-based): chr16:2,117,917, G>C on the plus strand (C>G on the coding strand, the complement: PKD1 is on the minus strand). VCF-style: chr16-2117917-G-C. GRCh37 (hg19) VCF-style: chr16-2167918-G-C.
Other names: c.1075C>G, p.Leu359Val (NM_000296.4); short protein forms L359V.
Identifiers: ClinVar variation 393050 (VCV000393050.2), dbSNP rs1057524759, ClinGen allele CA16607317.

ClinVar aggregate classification (germline): Uncertain significance (1 of 4 stars; one submission).

Allele frequency attached by ClinVar (database versions not stated): gnomAD exomes 0.00001.

Submission:

GeneDx
Classification: Uncertain significance. Last evaluated: 2017-01-27. Review status: criteria provided, single submitter. Criteria: GeneDx Variant Classification (06012015). Collection method: clinical testing. Allele origin: germline. Affected: yes.
Comment: The L359V variant in the PKD1 gene has not been reported previously as a pathogenic variant, nor as a benign variant, to our knowledge. This variant was not observed in approximately 1,400 individuals of European and African American ancestry in the NHLBI Exome Sequencing Project, indicating it is not a common benign variant in these populations. The L359V variant is a conservative amino acid substitution, which is not likely to impact secondary protein structure as these residues share similar properties. This substitution occurs at a position that is conserved across species. In silico analysis is inconsistent in its predictions as to whether or not the variant is damaging to the protein structure/function. Based on currently available evidence, we interpret L359V as a variant of uncertain significance.